The following is an entry in ClinVar:

ClinVar aggregate classification (germline): Uncertain significance. Review status: criteria provided, single submitter (1 of 4 stars). 2 submissions from 2 submitters: Uncertain significance (1). 1 of the submissions does not count toward it. Last evaluated 2024-06-04.

Conditions:
PDSS2-related disorder. Also called: PDSS2-related condition.
Coenzyme Q10 deficiency, primary, 3 (COQ10D3). Identifiers: Orphanet 255249, MedGen C3553358, MONDO:0013838, OMIM 614652.

gnomAD v4.1: 11 of 1,610,552 alleles (0.00068%); highest among the groups gnomAD compares: Non-Finnish European, 0.00093%; no homozygotes.

Submissions (2):

Fulgent Genetics
Classification: Uncertain significance for Coenzyme Q10 deficiency, primary, 3. Last evaluated: 2024-06-04. Review status: criteria provided, single submitter. Criteria: ACMG Guidelines, 2015. Collection method: clinical testing. Allele origin: germline.

PreventionGenetics, part of Exact Sciences
Classification: Uncertain significance for PDSS2-related condition. Last evaluated: 2024-08-30. Review status: no assertion criteria provided. Collection method: clinical testing. Allele origin: germline. Not counted in ClinVar's aggregate classification.
Comment: The PDSS2 c.988T>C variant is predicted to result in the amino acid substitution p.Trp330Arg. To our knowledge, this variant has not been reported in the literature or in a large population database, indicating this variant is rare. At this time, the clinical significance of this variant is uncertain due to the absence of conclusive functional and genetic evidence.

NM_020381.4(PDSS2):c.988T>C (p.Trp330Arg)

Gene: PDSS2 (decaprenyl diphosphate synthase subunit 2; minus strand). Cytogenetic location: 6q21.
Variant type: single nucleotide variant.
Coding change: c.988T>C on transcript NM_020381.4 (MANE Select); coding-DNA position 988, T replaced by C.
Protein change: p.Trp330Arg; replaces tryptophan 330 with arginine.
Molecular consequence: missense variant.
Genome position (GRCh38, 1-based): chr6:107,210,459, A>G on the plus strand (T>C on the coding strand, the complement: PDSS2 is on the minus strand). VCF-style: chr6-107210459-A-G. GRCh37 (hg19) VCF-style: chr6-107531663-A-G.
Other names: short protein forms W330R.
Identifiers: ClinVar variation 3350000 (VCV003350000.2).